The following is an entry in ClinVar:

NC_000019.9:g.(?_17865974)_(17866020_?)dup

Gene: FCHO1 (FCH and mu domain containing endocytic adaptor 1; plus strand). Cytogenetic location: 19p13.11.
Variant type: Duplication.
Identifiers: ClinVar variation 2423894 (VCV002423894.3).

ClinVar aggregate classification (germline): Uncertain significance (1 of 4 stars; one submission).

Submission:

Labcorp Genetics (formerly Invitae), Labcorp
Classification: Uncertain significance. Last evaluated: 2022-06-28. Review status: criteria provided, single submitter. Criteria: Invitae Variant Classification Sherloc (09022015). Collection method: clinical testing. Allele origin: germline.
Comment: This variant results in a copy number gain of the genomic region encompassing exon(s) 4 of the FCHO1 gene. This region includes the initiator codon of the gene. This copy number gain extends beyond the assayed region for this gene and therefore may encompass additional genes. As the precise location of this event is unknown, it may be in tandem or it may be located elsewhere in the genome. This variant has not been reported in the literature in individuals affected with FCHO1-related conditions. In summary, the available evidence is currently insufficient to determine the role of this variant in disease. Therefore, it has been classified as a Variant of Uncertain Significance.